The following is an entry in ClinVar:

NM_000152.5(GAA):c.2400C>T (p.Ser800=)

Gene: GAA (alpha glucosidase; plus strand). Cytogenetic location: 17q25.3.
Variant type: single nucleotide variant.
Coding change: c.2400C>T on transcript NM_000152.5 (MANE Select); coding-DNA position 2400, C replaced by T.
Protein change: p.Ser800=; no amino-acid change (serine 800 retained).
Molecular consequence: synonymous variant.
Genome position (GRCh38, 1-based): chr17:80,117,668, C>T. VCF-style: chr17-80117668-C-T. GRCh37 (hg19) VCF-style: chr17-78091467-C-T.
Other names: NM_000152.5(GAA):c.2400C>T; p.Ser800=; c.2400C>T, p.(=) (LRG_673t1); c.2400C>T, p.Ser800= (NM_001079803.3, NM_001079804.3).
Identifiers: ClinVar variation 167115 (VCV000167115.32), dbSNP rs115705591, ClinGen allele CA180077.

ClinVar aggregate classification (germline): Benign. Review status: reviewed by expert panel (3 of 4 stars). 11 submissions from 11 submitters: Benign (1). 10 of the submissions do not count toward it. Last evaluated 2024-08-06.

Conditions:
Cardiovascular phenotype. Identifiers: MedGen CN230736.
Glycogen storage disease, type II (IOPD). Also called: CARDIOMEGALIA GLYCOGENICA DIFFUSA; GLYCOGENOSIS, GENERALIZED, CARDIAC FORM; GSD II; Glycogen storage disease type 2; Acid maltase deficiency disease; Aglucosidase alfa. Identifiers: Orphanet 365, MedGen C0017921, MONDO:0009290, OMIM 232300.

Allele frequency attached by ClinVar (database versions not stated): gnomAD exomes 0.00066 and 0.00179; ExAC 0.00229; gnomAD 0.00677 and 0.00724; ESP Exome Variant Server 0.00777; TOPMed 0.00814; 1000 Genomes Project 0.00919; 1000 Genomes Project 30x 0.00953.
gnomAD v4.1: 2,015 of 1,612,816 alleles (0.12%); highest among the groups gnomAD compares: African/African-American, 2.4%; 20 homozygotes.

Submissions (15):

ClinGen Lysosomal Storage Disorder Variant Curation Expert Panel
Classification: Benign for Glycogen storage disease, type II. Last evaluated: 2024-08-06. Review status: reviewed by expert panel. Criteria: clingen_lsd_acmg_specifications_v2-1. Collection method: curation. Allele origin: germline. Inheritance: Autosomal recessive inheritance.
Comment: The NM_000152.5:c.2400C>T variant in GAA is a synonymous (silent) variant (p.Ser800=) that is not predicted to impact splicing. The highest population minor allele frequency in gnomAD v2.1.1. is 0.02504 (617/24640 alleles; 9 homozygotes) in the African/African American population, which is higher than the ClinGen Lysosomal Diseases VCEP’s threshold for BA1 (>0.01), and therefore meets this criterion (BA1). There is a ClinVar entry for this variant (Variation ID: 167115. In summary, this variant meets the criteria to be classified as Benign for Pompe disease. GAA-specific ACMG/AMP criteria applied, as specified by the ClinGen Lysosomal Diseases Variant Curation Expert Panel (specifications Version 2.0): BA1. (Classification approved by the ClinGen Lysosomal Diseases Variant Curation Expert Panel on August 6, 2024).

Labcorp Genetics (formerly Invitae), Labcorp
Classification: Benign for Glycogen storage disease, type II. Last evaluated: 2026-02-03. Review status: criteria provided, single submitter. Criteria: Invitae Variant Classification Sherloc (09022015). Collection method: clinical testing. Allele origin: germline. Not counted in ClinVar's aggregate classification.

ARUP Laboratories, Molecular Genetics and Genomics, ARUP Laboratories
Classification: Benign for Glycogen storage disease, type II. Last evaluated: 2025-04-21. Review status: criteria provided, single submitter. Criteria: ARUP Molecular Germline Variant Investigation Process 2024. Collection method: clinical testing. Allele origin: germline. Not counted in ClinVar's aggregate classification.

Blueprint Genetics
Classification: Likely benign. Last evaluated: 2024-11-13. Review status: criteria provided, single submitter. Criteria: ACMG Guidelines, 2015. Collection method: clinical testing. Allele origin: germline. Not counted in ClinVar's aggregate classification.

Ambry Genetics
Classification: Benign for Cardiovascular phenotype. Last evaluated: 2020-03-24. Review status: criteria provided, single submitter. Criteria: Ambry Variant Classification Scheme 2023. Collection method: clinical testing. Allele origin: germline. Not counted in ClinVar's aggregate classification.

Women's Health and Genetics/Laboratory Corporation of America, LabCorp
Classification: Benign. Last evaluated: 2019-03-11. Review status: criteria provided, single submitter. Criteria: LabCorp Variant Classification Summary - May 2015. Collection method: clinical testing. Allele origin: germline. Not counted in ClinVar's aggregate classification.
Comment: Variant summary: GAA c.2400C>T alters a non-conserved nucleotide resulting in a synonymous change. Several computational tools predict a significant impact on normal splicing: Four predict the variant creates a cryptic 5' donor site. However, these predictions have yet to be confirmed by functional studies. The variant allele was found at a frequency of 0.0023 in 275064 control chromosomes, predominantly at a frequency of 0.024 within the African subpopulation in the gnomAD database, including 8 homozygotes. The observed variant frequency within African control individuals in the gnomAD database is approximately 6-folds higher than the estimated maximal expected allele frequency for a pathogenic variant in GAA causing Glycogen Storage Disease, Type 2 (Pompe Disease) phenotype (0.0042), strongly suggesting that the variant is a benign polymorphism found primarily in populations of African origin. To our knowledge, no occurrence of c.2400C>T in individuals affected with Glycogen Storage Disease, Type 2 (Pompe Disease) and no experimental evidence demonstrating its impact on protein function have been reported. Three ClinVar submissions from clinical diagnostic laboratories (evaluation after 2014) cite the variant as benign. Based on the evidence outlined above, the variant was classified as benign.

Illumina Laboratory Services, Illumina
Classification: Likely benign for Glycogen storage disease, type II. Last evaluated: 2018-01-13. Review status: criteria provided, single submitter. Criteria: ICSL Variant Classification Criteria 13 December 2019. Collection method: clinical testing. Allele origin: germline. Not counted in ClinVar's aggregate classification.
Comment: This variant was observed in the ICSL laboratory as part of a predisposition screen in an ostensibly healthy population. It had not been previously curated by ICSL or reported in the Human Gene Mutation Database (HGMD: prior to June 1st, 2018), and was therefore a candidate for classification through an automated scoring system. Utilizing variant allele frequency, disease prevalence and penetrance estimates, and inheritance mode, an automated score was calculated to assess if this variant is too frequent to cause the disease. Based on the score and internal cut-off values, a variant classified as likely benign is not then subjected to further curation. The score for this variant resulted in a classification of likely benign for this disease.

GeneDx
Classification: Benign. Last evaluated: 2016-05-20. Review status: criteria provided, single submitter. Criteria: GeneDx Variant Classification (06012015). Collection method: clinical testing. Allele origin: germline. Affected: yes. Not counted in ClinVar's aggregate classification.
Comment: This variant is considered likely benign or benign based on one or more of the following criteria: it is a conservative change, it occurs at a poorly conserved position in the protein, it is predicted to be benign by multiple in silico algorithms, and/or has population frequency not consistent with disease.

Eurofins Ntd Llc (ga)
Classification: Benign. Last evaluated: 2013-12-13. Review status: criteria provided, single submitter. Criteria: EGL Classification Definitions 2015. Collection method: clinical testing. Allele origin: germline. Observed: 2 variant alleles, 2 heterozygotes. Not counted in ClinVar's aggregate classification.

PreventionGenetics, part of Exact Sciences
Classification: Likely benign. Review status: criteria provided, single submitter. Criteria: ACMG Guidelines, 2015. Collection method: clinical testing. Allele origin: germline. Not counted in ClinVar's aggregate classification.

Mayo Clinic Laboratories, Mayo Clinic
Classification: Benign. Last evaluated: 2017-09-27. Review status: no assertion criteria provided. Collection method: clinical testing. Allele origin: unknown. Not counted in ClinVar's aggregate classification.

Dr. Peter K. Rogan Lab, Western University
No classification provided (evidence only). Condition: Uterine corpus endometrial carcinoma. Review status: no classification provided. Collection method: in vitro. Allele origin: not applicable. Functional consequence: retained intron. Not counted in ClinVar's aggregate classification.

Dr. Peter K. Rogan Lab, Western University
No classification provided (evidence only). Condition: Cervical cancer. Review status: no classification provided. Collection method: in vitro. Allele origin: not applicable. Functional consequence: retained intron. Not counted in ClinVar's aggregate classification.

Dr. Peter K. Rogan Lab, Western University
No classification provided (evidence only). Condition: Nonpapillary renal cell carcinoma. Review status: no classification provided. Collection method: in vitro. Allele origin: not applicable. Functional consequence: retained intron. Not counted in ClinVar's aggregate classification.

Dr. Peter K. Rogan Lab, Western University
No classification provided (evidence only). Condition: Malignant tumor of esophagus. Review status: no classification provided. Collection method: in vitro. Allele origin: not applicable. Functional consequence: retained intron. Not counted in ClinVar's aggregate classification.